The following is an entry in ClinVar:

ClinVar aggregate classification (germline): Uncertain significance. Review status: criteria provided, multiple submitters, no conflicts (2 of 4 stars). 2 submissions from 2 submitters: Uncertain significance (2). Last evaluated 2026-01-28.

Conditions:
Familial melanoma. Also called: Hereditary melanoma; Hereditary cutaneous melanoma. Identifiers: Orphanet 618, MedGen C1512419, MONDO:0018961.
Hereditary cancer-predisposing syndrome. Also called: Hereditary neoplastic syndrome; Neoplastic Syndromes, Hereditary; Hereditary Cancer Syndrome; Tumor predisposition. Identifiers: Orphanet 140162, MedGen C0027672, MeSH D009386, MONDO:0015356.

Submissions (2):

Ambry Genetics
Classification: Uncertain significance for Hereditary cancer-predisposing syndrome. Last evaluated: 2026-01-28. Review status: criteria provided, single submitter. Criteria: Ambry Variant Classification Scheme 2023. Collection method: clinical testing. Allele origin: germline.
Comment: The p.L16Q variant (also known as c.47T>A), located in coding exon 1 of the CDKN2A gene, results from a T to A substitution at nucleotide position 47. The leucine at codon 16 is replaced by glutamine, an amino acid with dissimilar properties. Based on internal structural analysis, this variant is moderately destabilizing to the local structure (Ambry internal data). This amino acid position is highly conserved in available vertebrate species. In addition, this alteration is predicted to be deleterious by in silico analysis. Based on the available evidence, the clinical significance of this variant remains unclear.

Labcorp Genetics (formerly Invitae), Labcorp
Classification: Uncertain significance for Familial melanoma. Last evaluated: 2021-11-23. Review status: criteria provided, single submitter. Criteria: Invitae Variant Classification Sherloc (09022015). Collection method: clinical testing. Allele origin: germline.
Comment: Algorithms developed to predict the effect of missense changes on protein structure and function are either unavailable or do not agree on the potential impact of this missense change (SIFT: "Deleterious"; PolyPhen-2: "Probably Damaging"; Align-GVGD: "Class C0"). Algorithms developed to predict the effect of sequence changes on RNA splicing suggest that this variant may create or strengthen a splice site. This variant disrupts the p.Leu16 amino acid residue in CDKN2A (p16INK4a). Other variant(s) that disrupt this residue have been determined to be pathogenic (PMID: 15173226, 16169933, 17218939, 17624602, 20340136, 21150883, 21462282; Invitae). This suggests that this residue is clinically significant, and that variants that disrupt this residue are likely to be disease-causing. In summary, the available evidence is currently insufficient to determine the role of this variant in disease. Therefore, it has been classified as a Variant of Uncertain Significance. ClinVar contains an entry for this variant (Variation ID: 463509). This sequence change replaces leucine, which is neutral and non-polar, with glutamine, which is neutral and polar, at codon 16 of the CDKN2A (p16INK4a) protein (p.Leu16Gln). This variant is not present in population databases (gnomAD no frequency). This variant has not been reported in the literature in individuals affected with CDKN2A (p16INK4a)-related conditions.

Literature cited by the submitters: PubMed 15173226 (cited by Labcorp Genetics (formerly Invitae), Labcorp); PubMed 16169933 (cited by Labcorp Genetics (formerly Invitae), Labcorp); PubMed 17218939 (cited by Labcorp Genetics (formerly Invitae), Labcorp); PubMed 17624602 (cited by Labcorp Genetics (formerly Invitae), Labcorp); PubMed 20340136 (cited by Labcorp Genetics (formerly Invitae), Labcorp); PubMed 21150883 (cited by Labcorp Genetics (formerly Invitae), Labcorp); PubMed 21462282 (cited by Labcorp Genetics (formerly Invitae), Labcorp).

NM_000077.5(CDKN2A):c.47T>A (p.Leu16Gln)

Gene: CDKN2A (cyclin dependent kinase inhibitor 2A; minus strand). Cytogenetic location: 9p21.3.
Variant type: single nucleotide variant.
Coding change: c.47T>A on transcript NM_000077.5; coding-DNA position 47, T replaced by A.
Protein change: p.Leu16Gln; replaces leucine 16 with glutamine.
Molecular consequence: missense variant (on NM_000077.6). On other transcripts: intron variant (2).
Genome position (GRCh38, 1-based): chr9:21,974,781, A>T on the plus strand (T>A on the coding strand, the complement: CDKN2A is on the minus strand). VCF-style: chr9-21974781-A-T. GRCh37 (hg19) VCF-style: chr9-21974780-A-T.
Other names: c.47T>A, p.Leu16Gln (NM_000077.6, NM_001195132.2, NM_058197.5); c.-3-3573T>A (NM_001363763.2); c.194-3573T>A (NM_058195.4); short protein forms L16Q.
Identifiers: ClinVar variation 463509 (VCV000463509.8), dbSNP rs864622263, ClinGen allele CA373086652.